The following is an entry in ClinVar:

NM_012188.5(FOXI1):c.77C>A (p.Pro26His)

Gene: FOXI1 (forkhead box I1; plus strand). Cytogenetic location: 5q35.1.
Variant type: single nucleotide variant.
Coding change: c.77C>A on transcript NM_012188.5 (MANE Select); coding-DNA position 77, C replaced by A.
Protein change: p.Pro26His; replaces proline 26 with histidine.
Molecular consequence: missense variant.
Genome position (GRCh38, 1-based): chr5:170,106,034, C>A. VCF-style: chr5-170106034-C-A. GRCh37 (hg19) VCF-style: chr5-169533038-C-A.
Other names: c.77C>A, p.Pro26His (NM_144769.4); c.77C>A (NM_012188.4); short protein forms P26H.
Identifiers: ClinVar variation 2164235 (VCV002164235.3), dbSNP rs373020583, ClinGen allele CA3554947.

ClinVar aggregate classification (germline): Uncertain significance. Review status: criteria provided, multiple submitters, no conflicts (2 of 4 stars). 2 submissions from 2 submitters: Uncertain significance (2). Last evaluated 2024-12-12.

Allele frequency attached by ClinVar (database versions not stated): gnomAD 0.00007; ESP Exome Variant Server 0.00008.
gnomAD v4.1: 89 of 1,612,442 alleles (0.0055%); highest among the groups gnomAD compares: Non-Finnish European, 0.007%; no homozygotes.

Submissions (2):

Labcorp Genetics (formerly Invitae), Labcorp
Classification: Uncertain significance. Last evaluated: 2024-12-12. Review status: criteria provided, single submitter. Criteria: Invitae Variant Classification Sherloc (09022015). Collection method: clinical testing. Allele origin: germline.
Comment: This sequence change replaces proline, which is neutral and non-polar, with histidine, which is basic and polar, at codon 26 of the FOXI1 protein (p.Pro26His). This variant is present in population databases (rs373020583, gnomAD 0.009%). This variant has not been reported in the literature in individuals affected with FOXI1-related conditions. ClinVar contains an entry for this variant (Variation ID: 2164235). An algorithm developed to predict the effect of missense changes on protein structure and function (PolyPhen-2) suggests that this variant is likely to be disruptive. In summary, the available evidence is currently insufficient to determine the role of this variant in disease. Therefore, it has been classified as a Variant of Uncertain Significance.

Ambry Genetics
Classification: Uncertain significance. Last evaluated: 2023-09-29. Review status: criteria provided, single submitter. Criteria: Ambry Variant Classification Scheme 2023. Collection method: clinical testing. Allele origin: germline.